The following is an entry in ClinVar:

NM_003579.4(RAD54L):c.814A>C (p.Ile272Leu)

Gene: RAD54L (RAD54 like; plus strand). Cytogenetic location: 1p34.1.
Variant type: single nucleotide variant.
Coding change: c.814A>C on transcript NM_003579.4 (MANE Select); coding-DNA position 814, A replaced by C.
Protein change: p.Ile272Leu; replaces isoleucine 272 with leucine.
Molecular consequence: missense variant.
Genome position (GRCh38, 1-based): chr1:46,261,308, A>C. VCF-style: chr1-46261308-A-C. GRCh37 (hg19) VCF-style: chr1-46726980-A-C.
Other names: c.814A>C, p.Ile272Leu (NM_001142548.2); c.274A>C, p.Ile92Leu (NM_001370766.1); short protein forms I272L, I92L.
Identifiers: ClinVar variation 3312440 (VCV003312440.1).

ClinVar aggregate classification (germline): Uncertain significance (1 of 4 stars; one submission).

gnomAD v4.1: 1 of 1,613,096 alleles (0.000062%); highest among the groups gnomAD compares: Non-Finnish European, 0.000085%; no homozygotes.

Submission:

Ambry Genetics
Classification: Uncertain significance. Last evaluated: 2024-06-05. Review status: criteria provided, single submitter. Criteria: Ambry Variant Classification Scheme 2023. Collection method: clinical testing. Allele origin: germline.
Comment: The p.I272L variant (also known as c.814A>C), located in coding exon 8 of the RAD54L gene, results from an A to C substitution at nucleotide position 814. The isoleucine at codon 272 is replaced by leucine, an amino acid with highly similar properties. This amino acid position is conserved. In addition, the in silico prediction for this alteration is inconclusive. Based on the available evidence, the clinical significance of this variant remains unclear.